The following is an entry in ClinVar:

NM_002528.7(NTHL1):c.874T>C (p.Cys292Arg)

Gene: NTHL1 (nth like DNA glycosylase 1; minus strand). Cytogenetic location: 16p13.3.
Variant type: single nucleotide variant.
Coding change: c.874T>C on transcript NM_002528.7 (MANE Select); coding-DNA position 874, T replaced by C.
Protein change: p.Cys292Arg; replaces cysteine 292 with arginine.
Molecular consequence: missense variant.
Genome position (GRCh38, 1-based): chr16:2,039,965, A>G on the plus strand (T>C on the coding strand, the complement: NTHL1 is on the minus strand). VCF-style: chr16-2039965-A-G. GRCh37 (hg19) VCF-style: chr16-2089966-A-G.
Other names: c.898T>C (NM_002528.5); c.703T>C, p.Cys235Arg (NM_001318193.2); c.544T>C, p.Cys182Arg (NM_001318194.2); short protein forms C182R, C235R, C292R.
Identifiers: ClinVar variation 1348831 (VCV001348831.7), dbSNP rs2150937795, ClinGen allele CA394287134.
Genomic context (GRCh38, chr16:2,039,965, plus strand): 5'-GGCCAGAGCCATGCGGCCATCAGAGACCCTGGGCGGCCGGGCAGAGGGCTTGGTTGAGGC[A>G]GGCGTGGCAGCGAGGGTGCACAGGCAGACAGGTCTGCTGGCCGAAGCCCACCAAGAGTCC-3'
Protein context (NP_002519.2, residues 282-302): CLPVHPRCHA[Cys292Arg]LNQALCPAAQ

ClinVar aggregate classification (germline): Uncertain significance. Review status: criteria provided, multiple submitters, no conflicts (2 of 4 stars). 2 submissions from 2 submitters: Uncertain significance (2). Last evaluated 2025-12-21.

Conditions:
Hereditary cancer-predisposing syndrome. Also called: Hereditary neoplastic syndrome; Tumor predisposition; Neoplastic Syndromes, Hereditary; Hereditary Cancer Syndrome. Identifiers: Orphanet 140162, MedGen C0027672, MeSH D009386, MONDO:0015356.

Submissions (2):

Labcorp Genetics (formerly Invitae), Labcorp
Classification: Uncertain significance. Last evaluated: 2025-12-21. Review status: criteria provided, single submitter. Criteria: Invitae Variant Classification Sherloc (09022015). Collection method: clinical testing. Allele origin: germline.
Comment: This sequence change replaces cysteine, which is neutral and slightly polar, with arginine, which is basic and polar, at codon 300 of the NTHL1 protein (p.Cys300Arg). This variant is not present in population databases (gnomAD no frequency). This variant has not been reported in the literature in individuals affected with NTHL1-related conditions. ClinVar contains an entry for this variant (Variation ID: 1348831). An algorithm developed to predict the effect of missense changes on protein structure and function (PolyPhen-2) suggests that this variant is likely to be disruptive. In summary, the available evidence is currently insufficient to determine the role of this variant in disease. Therefore, it has been classified as a Variant of Uncertain Significance.

Ambry Genetics
Classification: Uncertain significance for Hereditary cancer-predisposing syndrome. Last evaluated: 2025-03-14. Review status: criteria provided, single submitter. Criteria: Ambry Variant Classification Scheme 2023. Collection method: clinical testing. Allele origin: germline.
Comment: The p.C300R variant (also known as c.898T>C), located in coding exon 6 of the NTHL1 gene, results from a T to C substitution at nucleotide position 898. The cysteine at codon 300 is replaced by arginine, an amino acid with highly dissimilar properties. This amino acid position is conserved. In addition, this alteration is predicted to be deleterious by in silico analysis. Based on the available evidence, the clinical significance of this variant remains unclear.